The following is an entry in ClinVar:

NM_004247.4(EFTUD2):c.2208C>G (p.Gly736=)

Gene: EFTUD2 (elongation factor Tu GTP binding domain containing 2; minus strand). Cytogenetic location: 17q21.31.
Variant type: single nucleotide variant.
Coding change: c.2208C>G on transcript NM_004247.4 (MANE Select); coding-DNA position 2208, C replaced by G.
Protein change: p.Gly736=; no amino-acid change (glycine 736 retained).
Molecular consequence: synonymous variant.
Genome position (GRCh38, 1-based): chr17:44,854,607, G>C on the plus strand (C>G on the coding strand, the complement: EFTUD2 is on the minus strand). VCF-style: chr17-44854607-G-C. GRCh37 (hg19) VCF-style: chr17-42931975-G-C.
Other names: c.2103C>G, p.Gly701= (NM_001142605.2); c.2208C>G, p.Gly736= (NM_001258353.2); c.2178C>G, p.Gly726= (NM_001258354.2).
Identifiers: ClinVar variation 2647835 (VCV002647835.27), dbSNP rs559081677, ClinGen allele CA8607558.

ClinVar aggregate classification (germline): Likely benign. Review status: criteria provided, multiple submitters, no conflicts (2 of 4 stars). 2 submissions from 2 submitters: Likely benign (2). Last evaluated 2025-08-22.

Allele frequency attached by ClinVar (database versions not stated): TOPMed 0.00002; gnomAD 0.00004; ExAC 0.00009; 1000 Genomes Project 30x 0.00031; 1000 Genomes Project 0.00040.
gnomAD v4.1: 57 of 1,614,154 alleles (0.0035%); highest among the groups gnomAD compares: South Asian, 0.046%; no homozygotes.

Submissions (2):

Labcorp Genetics (formerly Invitae), Labcorp
Classification: Likely benign. Last evaluated: 2025-08-22. Review status: criteria provided, single submitter. Criteria: Invitae Variant Classification Sherloc (09022015). Collection method: clinical testing. Allele origin: germline.

CeGaT Center for Human Genetics Tuebingen
Classification: Likely benign. Last evaluated: 2023-02-01. Review status: criteria provided, single submitter. Criteria: CeGaT Center For Human Genetics Tuebingen Variant Classification Criteria Version 2. Collection method: clinical testing. Allele origin: germline. Affected: yes. Observed: 1 variant allele.
Comment: EFTUD2: BP4, BP7